The following is an entry in ClinVar:

ClinVar aggregate classification (germline): Uncertain significance (1 of 4 stars; one submission).

Conditions:
DNAJC13-related disorder. Also called: DNAJC13-related condition.

gnomAD v4.1: 1 of 1,613,750 alleles (0.000062%); highest among the groups gnomAD compares: African/African-American, 0.0013%; no homozygotes.

Submission:

PreventionGenetics, part of Exact Sciences
Classification: Uncertain significance for DNAJC13-related condition. Last evaluated: 2025-03-31. Review status: criteria provided, single submitter. Criteria: ACMG Guidelines, 2015. Collection method: clinical testing. Allele origin: germline.
Comment: The DNAJC13 c.3729C>A variant is predicted to result in the amino acid substitution p.Asn1243Lys. To our knowledge, this variant has not been reported in the literature or in a large population database (gnomAD), indicating this variant is rare. At this time, the clinical significance of this variant is uncertain due to the absence of conclusive functional and genetic evidence.

NM_015268.4(DNAJC13):c.3729C>A (p.Asn1243Lys)

Gene: DNAJC13 (DnaJ heat shock protein family (Hsp40) member C13; plus strand). Cytogenetic location: 3q22.1.
Variant type: single nucleotide variant.
Coding change: c.3729C>A on transcript NM_015268.4 (MANE Select); coding-DNA position 3729, C replaced by A.
Protein change: p.Asn1243Lys; replaces asparagine 1243 with lysine.
Molecular consequence: missense variant.
Genome position (GRCh38, 1-based): chr3:132,492,519, C>A. VCF-style: chr3-132492519-C-A. GRCh37 (hg19) VCF-style: chr3-132211363-C-A.
Other names: c.3744C>A, p.Asn1248Lys (NM_001329126.2); short protein forms N1243K, N1248K.
Identifiers: ClinVar variation 4998704 (VCV004998704.1).
Genomic context (GRCh38, chr3:132,492,519, plus strand): 5'-ACCTCGTCTTCAGAGTAACACAAGAGCACTTTATCAGTATTGCCCCATTCCTATAATCAA[C>A]TATCCACAACTCGAAAATGAACTATTTTGTAATATTTATTACCTCAAACAACTGTGTGAT-3'
Protein context (NP_056083.3, residues 1233-1253): LYQYCPIPII[Asn1243Lys]YPQLENELFC